The following is an entry in ClinVar:

NM_004364.5(CEBPA):c.368G>A (p.Gly123Glu)

Gene: CEBPA (CCAAT enhancer binding protein alpha; minus strand). Cytogenetic location: 19q13.11.
Variant type: single nucleotide variant.
Coding change: c.368G>A on transcript NM_004364.5 (MANE Select); coding-DNA position 368, G replaced by A.
Protein change: p.Gly123Glu; replaces glycine 123 with glutamic acid.
Molecular consequence: missense variant.
Genome position (GRCh38, 1-based): chr19:33,302,047, C>T on the plus strand (G>A on the coding strand, the complement: CEBPA is on the minus strand). VCF-style: chr19-33302047-C-T. GRCh37 (hg19) VCF-style: chr19-33792953-C-T.
Other names: c.368G>A (NM_004364.3); c.11G>A, p.Gly4Glu (NM_001285829.2); c.473G>A, p.Gly158Glu (NM_001287424.2); c.326G>A, p.Gly109Glu (NM_001287435.2); short protein forms G158E, G109E, G4E, G123E.
Identifiers: ClinVar variation 862536 (VCV000862536.12), dbSNP rs1600023321, ClinGen allele CA405275098.

ClinVar aggregate classification (germline): Uncertain significance. Review status: criteria provided, multiple submitters, no conflicts (2 of 4 stars). 4 submissions from 4 submitters: Uncertain significance (4). Last evaluated 2026-01-27.

Conditions:
Inborn genetic diseases. Identifiers: MedGen C0950123, MeSH D030342.
Acute myeloid leukemia (AML). Also called: Acute myeloid leukemia, adult; AML adult; Acute non-lymphocytic leukemia; Acute granulocytic leukemia; Leukemia, acute myeloid, somatic; Leukemia, acute myelogenous, somatic. Identifiers: Orphanet 519, MedGen C0023467, MeSH D015470, MONDO:0018874, OMIM 601626, HP:0004808. Disease mechanism: Constitutively activated FLT3.

Allele frequency attached by ClinVar (database versions not stated): TOPMed below 0.00001; gnomAD 0.00001; gnomAD exomes 0.00002.

Submissions (4):

Labcorp Genetics (formerly Invitae), Labcorp
Classification: Uncertain significance for Acute myeloid leukemia. Last evaluated: 2026-01-27. Review status: criteria provided, single submitter. Criteria: Invitae Variant Classification Sherloc (09022015). Collection method: clinical testing. Allele origin: germline.
Comment: This sequence change replaces glycine, which is neutral and non-polar, with glutamic acid, which is acidic and polar, at codon 123 of the CEBPA protein (p.Gly123Glu). The frequency data for this variant in the population databases is considered unreliable, as metrics indicate insufficient coverage at this position in the gnomAD database. This variant has not been reported in the literature in individuals affected with CEBPA-related conditions. ClinVar contains an entry for this variant (Variation ID: 862536). Invitae Evidence Modeling of protein sequence and biophysical properties (such as structural, functional, and spatial information, amino acid conservation, physicochemical variation, residue mobility, and thermodynamic stability) indicates that this missense variant is not expected to disrupt CEBPA protein function with a negative predictive value of 80%. In summary, the available evidence is currently insufficient to determine the role of this variant in disease. Therefore, it has been classified as a Variant of Uncertain Significance.

Ambry Genetics
Classification: Uncertain significance for Inborn genetic diseases. Last evaluated: 2025-11-26. Review status: criteria provided, single submitter. Criteria: Ambry Variant Classification Scheme 2023. Collection method: clinical testing. Allele origin: germline.

GeneDx
Classification: Uncertain significance. Last evaluated: 2023-11-14. Review status: criteria provided, single submitter. Criteria: GeneDx Variant Classification Process June 2021. Collection method: clinical testing. Allele origin: germline. Affected: yes.
Comment: Not observed at significant frequency in large population cohorts (gnomAD); In silico analysis supports that this missense variant does not alter protein structure/function; Has not been previously published as pathogenic or benign to our knowledge

Baylor Genetics
Classification: Uncertain significance for Acute myeloid leukemia. Last evaluated: 2023-08-24. Review status: criteria provided, single submitter. Criteria: ACMG Guidelines, 2015. Collection method: clinical testing. Allele origin: unknown.